The following is an entry in ClinVar:

NM_001378183.1(PIEZO2):c.3829C>A (p.Arg1277=)

Gene: PIEZO2 (piezo type mechanosensitive ion channel component 2; minus strand). Cytogenetic location: 18p11.22.
Variant type: single nucleotide variant.
Coding change: c.3829C>A on transcript NM_001378183.1 (MANE Select); coding-DNA position 3829, C replaced by A.
Protein change: p.Arg1277=; no amino-acid change (arginine 1277 retained).
Molecular consequence: synonymous variant.
Genome position (GRCh38, 1-based): chr18:10,758,063, G>T on the plus strand (C>A on the coding strand, the complement: PIEZO2 is on the minus strand). VCF-style: chr18-10758063-G-T. GRCh37 (hg19) VCF-style: chr18-10758061-G-T.
Other names: c.3754C>A, p.Arg1252= (NM_022068.4).
Identifiers: ClinVar variation 1192825 (VCV001192825.3), dbSNP rs762874609, ClinGen allele CA296029179.

ClinVar aggregate classification (germline): Conflicting classifications of pathogenicity. Review status: criteria provided, conflicting classifications (1 of 4 stars). 2 submissions from 2 submitters: Uncertain significance (1); Likely benign (1). Last evaluated 2025-03-17.

Allele frequency attached by ClinVar (database versions not stated): gnomAD 0.00001; TOPMed 0.00002.
gnomAD v4.1: 48 of 1,537,284 alleles (0.0031%); highest among the groups gnomAD compares: East Asian, 0.0049%; no homozygotes.

Submissions (2):

Women's Health and Genetics/Laboratory Corporation of America, LabCorp
Classification: Likely benign. Last evaluated: 2025-03-17. Review status: criteria provided, single submitter. Criteria: LabCorp Variant Classification Summary - May 2015. Collection method: clinical testing. Allele origin: germline.

GeneDx
Classification: Uncertain significance. Last evaluated: 2021-05-17. Review status: criteria provided, single submitter. Criteria: GeneDx Variant Classification Process June 2021. Collection method: clinical testing. Allele origin: germline. Affected: yes.
Comment: In silico analysis, which includes splice predictors and evolutionary conservation, supports a deleterious effect; Has not been previously published as pathogenic or benign to our knowledge